The following is an entry in ClinVar:

ClinVar aggregate classification (germline): Likely benign (1 of 4 stars; one submission).

Submission:

CeGaT Center for Human Genetics Tuebingen
Classification: Likely benign. Last evaluated: 2023-02-01. Review status: criteria provided, single submitter. Criteria: CeGaT Center For Human Genetics Tuebingen Variant Classification Criteria Version 2. Collection method: clinical testing. Allele origin: germline. Affected: yes. Observed: 1 variant allele.
Comment: OCA2: PM2:Supporting, BP4, BP7

NM_000275.3(OCA2):c.1317C>T (p.Phe439=)

Gene: OCA2 (OCA2 melanosomal transmembrane protein; minus strand). Cytogenetic location: 15q13.1.
Variant type: single nucleotide variant.
Coding change: c.1317C>T on transcript NM_000275.3 (MANE Select); coding-DNA position 1317, C replaced by T.
Protein change: p.Phe439=; no amino-acid change (phenylalanine 439 retained).
Molecular consequence: synonymous variant.
Genome position (GRCh38, 1-based): chr15:27,985,111, G>A on the plus strand (C>T on the coding strand, the complement: OCA2 is on the minus strand). VCF-style: chr15-27985111-G-A. GRCh37 (hg19) VCF-style: chr15-28230257-G-A.
Other names: c.1245C>T, p.Phe415= (NM_001300984.2).
Identifiers: ClinVar variation 2645031 (VCV002645031.24), dbSNP rs764588411, ClinGen allele CA488958896.